The following is an entry in ClinVar:

ClinVar aggregate classification (germline): Pathogenic (1 of 4 stars; one submission).

Conditions:
Fetal anomalies with a likely genetic cause.

Submission:

Genetics Laboratory, Great Ormond Street Hospital NHS Foundation Trust, North Thames Genomic Laboratory Hub
Classification: Pathogenic for Fetal anomalies with a likely genetic cause. Last evaluated: 2026-07-25. Review status: criteria provided, single submitter. Criteria: ACGS Best Practice Guidelines for Variant Classification in Rare Disease 2024 v1.2. Collection method: clinical testing. Allele origin: germline. Affected: yes.
Comment: PM2_moderate, PVS1_very-strong

NM_033395.2(CEP295):c.613_616del (p.Asp205fs)

Gene: CEP295 (centrosomal protein 295; plus strand). Cytogenetic location: 11q21.
Variant type: Microsatellite.
Coding change: c.613_616del on transcript NM_033395.2 (MANE Select); coding-DNA positions 613 to 616, 4 bases deleted (GACA; older notation c.613_616delGACA).
Protein change: p.Asp205fs; shifts the reading frame from aspartic acid 205.
Molecular consequence: frameshift variant.
Genome position (GRCh38, 1-based): chr11:93,675,655-93,675,658, GACA deleted; deleting any 4 consecutive bases within chr11:93,675,650-93,675,658 gives the same sequence; the c. name uses the placement nearest the transcript's 3' end. VCF-style (leftmost placement, unchanged base first): chr11-93675649-GAGAC-G. GRCh37 (hg19) VCF-style: chr11-93408815-GAGAC-G.
Other names: short protein forms D205fs.
Identifiers: ClinVar variation 4976722 (VCV004976722.1).